The following is an entry in ClinVar:

NM_000255.4(MMUT):c.295A>G (p.Met99Val)

Gene: MMUT (methylmalonyl-CoA mutase; minus strand). Cytogenetic location: 6p12.3.
Variant type: single nucleotide variant.
Coding change: c.295A>G on transcript NM_000255.4 (MANE Select); coding-DNA position 295, A replaced by G.
Protein change: p.Met99Val; replaces methionine 99 with valine.
Molecular consequence: missense variant.
Genome position (GRCh38, 1-based): chr6:49,459,172, T>C on the plus strand (A>G on the coding strand, the complement: MMUT is on the minus strand). VCF-style: chr6-49459172-T-C. GRCh37 (hg19) VCF-style: chr6-49426885-T-C.
Other names: short protein forms M99V.
Identifiers: ClinVar variation 450265 (VCV000450265.6), dbSNP rs1467385866, ClinGen allele CA364405063.

ClinVar aggregate classification (germline): Conflicting classifications of pathogenicity. Review status: criteria provided, conflicting classifications (1 of 4 stars). 3 submissions from 3 submitters: Likely pathogenic (1); Uncertain significance (2). Last evaluated 2024-04-09.

Allele frequency attached by ClinVar (database versions not stated): gnomAD exomes below 0.00001; gnomAD 0.00001.

Submissions (3):

Women's Health and Genetics/Laboratory Corporation of America, LabCorp
Classification: Uncertain significance. Last evaluated: 2024-04-09. Review status: criteria provided, single submitter. Criteria: LabCorp Variant Classification Summary - May 2015. Collection method: clinical testing. Allele origin: germline.
Comment: Variant summary: MUT c.295A>G (p.Met99Val) results in a conservative amino acid change located in the Methylmalonyl-CoA mutase, alpha chain, catalytic domain (IPR006098) of the encoded protein sequence. Four of five in-silico tools predict a damaging effect of the variant on protein function. The variant allele was found at a frequency of 4e-06 in 251442 control chromosomes. The available data on variant occurrences in the general population are insufficient to allow any conclusion about variant significance. To our knowledge, no occurrence of c.295A>G in individuals affected with Methylmalonic Acidemia and no experimental evidence demonstrating its impact on protein function have been reported. ClinVar contains an entry for this variant (Variation ID: 450265). Based on the evidence outlined above, the variant was classified as uncertain significance.

Labcorp Genetics (formerly Invitae), Labcorp
Classification: Uncertain significance. Last evaluated: 2021-09-01. Review status: criteria provided, single submitter. Criteria: Invitae Variant Classification Sherloc (09022015). Collection method: clinical testing. Allele origin: germline.
Comment: This sequence change replaces methionine with valine at codon 99 of the MUT protein (p.Met99Val). The methionine residue is highly conserved and there is a small physicochemical difference between methionine and valine. This variant is not present in population databases (ExAC no frequency). This variant has not been reported in the literature in individuals affected with MUT-related conditions. ClinVar contains an entry for this variant (Variation ID: 450265). Algorithms developed to predict the effect of missense changes on protein structure and function are either unavailable or do not agree on the potential impact of this missense change (SIFT: "Deleterious"; PolyPhen-2: "Probably Damaging"; Align-GVGD: "Class C0"). In summary, the available evidence is currently insufficient to determine the role of this variant in disease. Therefore, it has been classified as a Variant of Uncertain Significance.

GeneDx
Classification: Likely pathogenic. Last evaluated: 2017-07-12. Review status: criteria provided, single submitter. Criteria: GeneDx Variant Classification (06012015). Collection method: clinical testing. Allele origin: germline. Affected: yes.
Comment: The M99V variant has not been published as a pathogenic variant, nor has it been reported as a benign variant to our knowledge. The M99V variant is not observed in large population cohorts (Lek et al., 2016; 1000 Genomes Consortium et al., 2015; Exome Variant Server). The M99V variant occurs at a position that is conserved across species, and in silico analysis predicts this variant is probably damaging to the protein structure/function. Furthermore, missense variants in nearby residues (G94R, G94V, P95R) have been reported in the Human Gene Mutation Database in association with MMA (Stenson et al., 2014), supporting the functional importance of this region of the protein. In summary, we interpret the M99V variant as likely pathogenic; however, the possibility that it is benign cannot be excluded.